The following is an entry in ClinVar:

NM_001148.6(ANK2):c.3413G>A (p.Arg1138Gln)

Gene: ANK2 (ankyrin 2; plus strand). Cytogenetic location: 4q26.
Variant type: single nucleotide variant.
Coding change: c.3413G>A on transcript NM_001148.6 (MANE Select); coding-DNA position 3413, G replaced by A.
Protein change: p.Arg1138Gln; replaces arginine 1138 with glutamine.
Molecular consequence: missense variant.
Genome position (GRCh38, 1-based): chr4:113,335,879, G>A. VCF-style: chr4-113335879-G-A. GRCh37 (hg19) VCF-style: chr4-114257035-G-A.
Other names: c.3386G>A, p.Arg1129Gln (NM_001127493.3); c.3425G>A, p.Arg1142Gln (NM_001354225.2); c.3314G>A, p.Arg1105Gln (NM_001354228.2, NM_001354258.2); c.3392G>A, p.Arg1131Gln (NM_001354230.2); c.3455G>A, p.Arg1152Gln (NM_001354231.2, NM_001354242.2); c.3449G>A, p.Arg1150Gln (NM_001354232.2); c.3410G>A, p.Arg1137Gln (NM_001354235.2, NM_001354246.2, NM_001354265.2); c.3311G>A, p.Arg1104Gln (NM_001354236.2); and 30 more; short protein forms R1038Q, R1051Q, R1095Q, R1137Q, R1138Q, R1153Q, R314Q, R1071Q.
Identifiers: ClinVar variation 850306 (VCV000850306.6), dbSNP rs1353812954, ClinGen allele CA357937345.
Genomic context (GRCh38, chr4:113,335,879, plus strand): 5'-ATGAAGGTGGGTCATTTCTTGTCTTAGTACTGGATAGCCCAGAAGACCTAGAAAAGAAAC[G>A]AATCTGCCGCATCATCACCCGAGACTTCCCACAGTACTTTGCAGTGGTGTCTCGTATCAA-3'
Protein context (NP_001139.3, residues 1128-1148): LDSPEDLEKK[Arg1138Gln]ICRIITRDFP

ClinVar aggregate classification (germline): Uncertain significance (1 of 4 stars; one submission).

Conditions:
Long QT syndrome (LQTS). Identifiers: MedGen C0023976, MeSH D008133, MONDO:0002442. Disease mechanism: loss of function. Inheritance: Various modes of inheritance.

Allele frequency attached by ClinVar (database versions not stated): gnomAD exomes below 0.00001; TOPMed below 0.00001; gnomAD 0.00001.
gnomAD v4.1: 4 of 1,614,054 alleles (0.00025%); highest among the groups gnomAD compares: Admixed American, 0.0017%; no homozygotes.

Submission:

Labcorp Genetics (formerly Invitae), Labcorp
Classification: Uncertain significance for Long QT syndrome. Last evaluated: 2023-10-15. Review status: criteria provided, single submitter. Criteria: Invitae Variant Classification Sherloc (09022015). Collection method: clinical testing. Allele origin: germline.
Comment: This sequence change replaces arginine, which is basic and polar, with glutamine, which is neutral and polar, at codon 1138 of the ANK2 protein (p.Arg1138Gln). The frequency data for this variant in the population databases is considered unreliable, as metrics indicate poor data quality at this position in the gnomAD database. This variant has not been reported in the literature in individuals affected with ANK2-related conditions. ClinVar contains an entry for this variant (Variation ID: 850306). Advanced modeling of protein sequence and biophysical properties (such as structural, functional, and spatial information, amino acid conservation, physicochemical variation, residue mobility, and thermodynamic stability) performed at Invitae indicates that this missense variant is not expected to disrupt ANK2 protein function. In summary, the available evidence is currently insufficient to determine the role of this variant in disease. Therefore, it has been classified as a Variant of Uncertain Significance.